The following is an entry in ClinVar:

NM_017617.5(NOTCH1):c.4297G>C (p.Gly1433Arg)

Gene: NOTCH1 (notch receptor 1; minus strand). Cytogenetic location: 9q34.3.
Variant type: single nucleotide variant.
Coding change: c.4297G>C on transcript NM_017617.5 (MANE Select); coding-DNA position 4297, G replaced by C.
Protein change: p.Gly1433Arg; replaces glycine 1433 with arginine.
Molecular consequence: missense variant.
Genome position (GRCh38, 1-based): chr9:136,505,599, C>G on the plus strand (G>C on the coding strand, the complement: NOTCH1 is on the minus strand). VCF-style: chr9-136505599-C-G. GRCh37 (hg19) VCF-style: chr9-139400051-C-G.
Other names: short protein forms G1433R.
Identifiers: ClinVar variation 1039599 (VCV001039599.8), dbSNP rs751904604, ClinGen allele CA375648400.

ClinVar aggregate classification (germline): Uncertain significance (1 of 4 stars; one submission).

Conditions:
Adams-Oliver syndrome 5 (AOS5). Identifiers: Orphanet 974, MedGen C4014970, MONDO:0014459, OMIM 616028.

Submission:

Labcorp Genetics (formerly Invitae), Labcorp
Classification: Uncertain significance for Adams-Oliver syndrome 5. Last evaluated: 2021-03-10. Review status: criteria provided, single submitter. Criteria: Invitae Variant Classification Sherloc (09022015). Collection method: clinical testing. Allele origin: germline.
Comment: This sequence change replaces glycine with arginine at codon 1433 of the NOTCH1 protein (p.Gly1433Arg). The glycine residue is weakly conserved and there is a moderate physicochemical difference between glycine and arginine. This variant is not present in population databases (ExAC no frequency). This variant has not been reported in the literature in individuals with NOTCH1-related conditions. Advanced modeling of protein sequence and biophysical properties (such as structural, functional, and spatial information, amino acid conservation, physicochemical variation, residue mobility, and thermodynamic stability) performed at Invitae indicates that this missense variant is not expected to disrupt NOTCH1 protein function. In summary, the available evidence is currently insufficient to determine the role of this variant in disease. Therefore, it has been classified as a Variant of Uncertain Significance.